The following is an entry in ClinVar:

NM_001127453.2(GSDME):c.262G>A (p.Val88Met)

Gene: GSDME (gasdermin E; minus strand). Cytogenetic location: 7p15.3.
Variant type: single nucleotide variant.
Coding change: c.262G>A on transcript NM_001127453.2 (MANE Select); coding-DNA position 262, G replaced by A.
Protein change: p.Val88Met; replaces valine 88 with methionine.
Molecular consequence: missense variant. On other transcripts: 5 prime UTR variant (1).
Genome position (GRCh38, 1-based): chr7:24,744,704, C>T on the plus strand (G>A on the coding strand, the complement: GSDME is on the minus strand). VCF-style: chr7-24744704-C-T. GRCh37 (hg19) VCF-style: chr7-24784323-C-T.
Other names: c.-231G>A (NM_001127454.2); c.262G>A, p.Val88Met (NM_004403.3); short protein forms V88M.
Identifiers: ClinVar variation 3102833 (VCV003102833.2), dbSNP rs562948474, ClinGen allele CA155362880.

ClinVar aggregate classification (germline): Uncertain significance. Review status: criteria provided, multiple submitters, no conflicts (2 of 4 stars). 2 submissions from 2 submitters: Uncertain significance (2). Last evaluated 2026-08-08.

Conditions:
GSDME-related disorder. Also called: GSDME-related condition.
Inborn genetic diseases. Identifiers: MedGen C0950123, MeSH D030342.

Allele frequency attached by ClinVar (database versions not stated): TOPMed 0.00004.
gnomAD v4.1: 24 of 1,614,020 alleles (0.0015%); highest among the groups gnomAD compares: African/African-American, 0.017%; no homozygotes.

Submissions (2):

PreventionGenetics, part of Exact Sciences
Classification: Uncertain significance for GSDME-related condition. Last evaluated: 2026-08-08. Review status: criteria provided, single submitter. Criteria: ACMG Guidelines, 2015. Collection method: clinical testing. Allele origin: germline.
Comment: The GSDME c.262G>A variant is predicted to result in the amino acid substitution p.Val88Met. To our knowledge, this variant has not been reported in the literature. This variant is reported in 0.00089% of alleles in individuals of European (Non-Finnish) descent in gnomAD. At this time, the clinical significance of this variant is uncertain due to the absence of conclusive functional and genetic evidence.

Ambry Genetics
Classification: Uncertain significance for Inborn genetic diseases. Last evaluated: 2022-04-25. Review status: criteria provided, single submitter. Criteria: Ambry Variant Classification Scheme 2023. Collection method: clinical testing. Allele origin: germline.